The following is an entry in ClinVar:

ClinVar aggregate classification (germline): Uncertain significance (1 of 4 stars; one submission).

Conditions:
Familial cold autoinflammatory syndrome 3 (FCAS3). Also called: FAMILIAL ATYPICAL COLD URTICARIA; ANTIBODY DEFICIENCY AND IMMUNE DYSREGULATION, PLCG2-ASSOCIATED. Identifiers: Orphanet 300359, MedGen C3280914, MONDO:0013766, OMIM 614468.

Submission:

Labcorp Genetics (formerly Invitae), Labcorp
Classification: Uncertain significance for Familial cold autoinflammatory syndrome 3. Last evaluated: 2024-11-25. Review status: criteria provided, single submitter. Criteria: Invitae Variant Classification Sherloc (09022015). Collection method: clinical testing. Allele origin: germline.
Comment: This sequence change replaces aspartic acid, which is acidic and polar, with histidine, which is basic and polar, at codon 883 of the PLCG2 protein (p.Asp883His). This variant is not present in population databases (gnomAD no frequency). This variant has not been reported in the literature in individuals affected with PLCG2-related conditions. An algorithm developed to predict the effect of missense changes on protein structure and function (PolyPhen-2) suggests that this variant is likely to be disruptive. In summary, the available evidence is currently insufficient to determine the role of this variant in disease. Therefore, it has been classified as a Variant of Uncertain Significance.

NM_002661.5(PLCG2):c.2647G>C (p.Asp883His)

Gene: PLCG2 (phospholipase C gamma 2; plus strand). Cytogenetic location: 16q23.3.
Variant type: single nucleotide variant.
Coding change: c.2647G>C on transcript NM_002661.5 (MANE Select); coding-DNA position 2647, G replaced by C.
Protein change: p.Asp883His; replaces aspartic acid 883 with histidine.
Molecular consequence: missense variant.
Genome position (GRCh38, 1-based): chr16:81,931,562, G>C. VCF-style: chr16-81931562-G-C. GRCh37 (hg19) VCF-style: chr16-81965167-G-C.
Other names: c.2647G>C, p.Asp883His (NM_001425749.1, NM_001425750.1, NM_001425751.1); short protein forms D883H.
Identifiers: ClinVar variation 3726040 (VCV003726040.2).